The following is an entry in ClinVar:

NM_001134407.3(GRIN2A):c.2357-2A>T

Gene: GRIN2A (glutamate ionotropic receptor NMDA type subunit 2A; minus strand). Cytogenetic location: 16p13.2.
Variant type: single nucleotide variant.
Coding change: c.2357-2A>T on transcript NM_001134407.3 (MANE Select); the canonical splice acceptor site of the intron before coding-DNA position 2357, A replaced by T.
Molecular consequence: splice acceptor variant.
Genome position (GRCh38, 1-based): chr16:9,769,091, T>A on the plus strand (A>T on the coding strand, the complement: GRIN2A is on the minus strand). VCF-style: chr16-9769091-T-A. GRCh37 (hg19) VCF-style: chr16-9862948-T-A.
Other names: c.2357-2A>T (NM_001134408.2, NM_000833.5).
Identifiers: ClinVar variation 2818145 (VCV002818145.3), dbSNP rs2505980883, ClinGen allele CA394710336.

ClinVar aggregate classification (germline): Likely pathogenic (1 of 4 stars; one submission).

Conditions:
Landau-Kleffner syndrome (FESD). Also called: EPILEPSY, FOCAL, WITH SPEECH DISORDER AND WITH OR WITHOUT MENTAL RETARDATION; APHASIA, ACQUIRED, WITH EPILEPSY. Identifiers: Orphanet 1945, Orphanet 725, Orphanet 98818, MedGen C0282512, MONDO:0009509, OMIM 245570.

Submission:

Labcorp Genetics (formerly Invitae), Labcorp
Classification: Likely pathogenic for Landau-Kleffner syndrome. Last evaluated: 2022-12-03. Review status: criteria provided, single submitter. Criteria: Invitae Variant Classification Sherloc (09022015). Collection method: clinical testing. Allele origin: germline.
Comment: In summary, the currently available evidence indicates that the variant is pathogenic, but additional data are needed to prove that conclusively. Therefore, this variant has been classified as Likely Pathogenic. Algorithms developed to predict the effect of sequence changes on RNA splicing suggest that this variant may disrupt the consensus splice site. This variant has not been reported in the literature in individuals affected with GRIN2A-related conditions. This variant is not present in population databases (gnomAD no frequency). This sequence change affects an acceptor splice site in intron 12 of the GRIN2A gene. It is expected to disrupt RNA splicing. Variants that disrupt the donor or acceptor splice site typically lead to a loss of protein function (PMID: 16199547), and loss-of-function variants in GRIN2A are known to be pathogenic (PMID: 23933819, 23933820).

Literature cited by the submitters: PubMed 16199547; PubMed 23933819; PubMed 23933820.